The following is an entry in ClinVar:

ClinVar aggregate classification (germline): Uncertain significance. Review status: criteria provided, multiple submitters, no conflicts (2 of 4 stars). 2 submissions from 2 submitters: Uncertain significance (2). Last evaluated 2026-07-09.

Conditions:
Hereditary cancer-predisposing syndrome. Also called: Hereditary Cancer Syndrome; Hereditary neoplastic syndrome; Neoplastic Syndromes, Hereditary; Tumor predisposition. Identifiers: Orphanet 140162, MedGen C0027672, MeSH D009386, MONDO:0015356.
Cardiovascular phenotype. Identifiers: MedGen CN230736.

gnomAD v4.1: 1 of 1,555,096 alleles (0.000064%); highest among the groups gnomAD compares: Admixed American, 0.0019%; no homozygotes.

Submissions (2):

Ambry Genetics
Classification: Uncertain significance for Cardiovascular phenotype; Hereditary cancer-predisposing syndrome. Last evaluated: 2026-07-09. Review status: criteria provided, single submitter. Criteria: Ambry Variant Classification Scheme 2023. Collection method: clinical testing. Allele origin: germline.
Comment: The p.C313F variant (also known as c.938G>T), located in coding exon 9 of the LZTR1 gene, results from a G to T substitution at nucleotide position 938. The cysteine at codon 313 is replaced by phenylalanine, an amino acid with highly dissimilar properties. This amino acid position is conserved. In addition, this alteration is predicted to be deleterious by in silico analysis. Based on the available evidence, the clinical significance of this variant remains unclear.

Labcorp Genetics (formerly Invitae), Labcorp
Classification: Uncertain significance. Last evaluated: 2025-04-22. Review status: criteria provided, single submitter. Criteria: Invitae Variant Classification Sherloc (09022015). Collection method: clinical testing. Allele origin: germline.
Comment: This sequence change replaces cysteine, which is neutral and slightly polar, with phenylalanine, which is neutral and non-polar, at codon 313 of the LZTR1 protein (p.Cys313Phe). The frequency data for this variant in the population databases is considered unreliable, as metrics indicate poor data quality at this position in the gnomAD database. This variant has not been reported in the literature in individuals affected with LZTR1-related conditions. ClinVar contains an entry for this variant (Variation ID: 2733300). Invitae Evidence Modeling of protein sequence and biophysical properties (such as structural, functional, and spatial information, amino acid conservation, physicochemical variation, residue mobility, and thermodynamic stability) indicates that this missense variant is not expected to disrupt LZTR1 protein function with a negative predictive value of 80%. In summary, the available evidence is currently insufficient to determine the role of this variant in disease. Therefore, it has been classified as a Variant of Uncertain Significance.

NM_006767.4(LZTR1):c.938G>T (p.Cys313Phe)

Gene: LZTR1 (leucine zipper like post translational regulator 1; plus strand). Cytogenetic location: 22q11.21.
Variant type: single nucleotide variant.
Coding change: c.938G>T on transcript NM_006767.4 (MANE Select); coding-DNA position 938, G replaced by T.
Protein change: p.Cys313Phe; replaces cysteine 313 with phenylalanine.
Molecular consequence: missense variant.
Genome position (GRCh38, 1-based): chr22:20,991,774, G>T. VCF-style: chr22-20991774-G-T. GRCh37 (hg19) VCF-style: chr22-21346063-G-T.
Other names: c.938G>T (NM_006767.3); short protein forms C313F.
Identifiers: ClinVar variation 2733300 (VCV002733300.4), dbSNP rs1488541459, ClinGen allele CA410781481.
Genomic context (GRCh38, chr22:20,991,774, plus strand): 5'-ACCGCCACCTCTATGTGTTTGGGGGTGCGGCCGACAACACGCTGCCCAACGAGCTGCACT[G>T]CTATGACGTGGACTTCCAGACCTGGGAGGTCGTCCAGCCCAGCTCCGACAGCGAGGTGAG-3'
Protein context (NP_006758.2, residues 303-323): ADNTLPNELH[Cys313Phe]YDVDFQTWEV